The following is an entry in ClinVar:

ClinVar aggregate classification (germline): Uncertain significance (1 of 4 stars; one submission).

Allele frequency attached by ClinVar (database versions not stated): gnomAD exomes below 0.00001; TOPMed below 0.00001; gnomAD 0.00001.
gnomAD v4.1: 4 of 1,612,630 alleles (0.00025%); highest among the groups gnomAD compares: African/African-American, 0.0053%; no homozygotes.

Submission:

Labcorp Genetics (formerly Invitae), Labcorp
Classification: Uncertain significance. Last evaluated: 2021-08-28. Review status: criteria provided, single submitter. Criteria: Invitae Variant Classification Sherloc (09022015). Collection method: clinical testing. Allele origin: germline.
Comment: This sequence change replaces glutamic acid with lysine at codon 213 of the OCA2 protein (p.Glu213Lys). The glutamic acid residue is moderately conserved and there is a small physicochemical difference between glutamic acid and lysine. This variant is not present in population databases (ExAC no frequency). This variant has not been reported in the literature in individuals affected with OCA2-related conditions. Advanced modeling of protein sequence and biophysical properties (such as structural, functional, and spatial information, amino acid conservation, physicochemical variation, residue mobility, and thermodynamic stability) performed at Invitae indicates that this missense variant is not expected to disrupt OCA2 protein function. In summary, the available evidence is currently insufficient to determine the role of this variant in disease. Therefore, it has been classified as a Variant of Uncertain Significance.

NM_000275.3(OCA2):c.637G>A (p.Glu213Lys)

Gene: OCA2 (OCA2 melanosomal transmembrane protein; minus strand). Cytogenetic location: 15q13.1.
Variant type: single nucleotide variant.
Coding change: c.637G>A on transcript NM_000275.3 (MANE Select); coding-DNA position 637, G replaced by A.
Protein change: p.Glu213Lys; replaces glutamic acid 213 with lysine.
Molecular consequence: missense variant.
Genome position (GRCh38, 1-based): chr15:28,022,510, C>T on the plus strand (G>A on the coding strand, the complement: OCA2 is on the minus strand). VCF-style: chr15-28022510-C-T. GRCh37 (hg19) VCF-style: chr15-28267656-C-T.
Other names: c.637G>A, p.Glu213Lys (NM_001300984.2); short protein forms E213K.
Identifiers: ClinVar variation 1397507 (VCV001397507.5), dbSNP rs2042624978, ClinGen allele CA391366977.